The following is an entry in ClinVar:

NM_015937.6(PIGT):c.476C>T (p.Pro159Leu)

Gene: PIGT (phosphatidylinositol glycan anchor biosynthesis class T; plus strand). Cytogenetic location: 20q13.12.
Variant type: single nucleotide variant.
Coding change: c.476C>T on transcript NM_015937.6 (MANE Select); coding-DNA position 476, C replaced by T.
Protein change: p.Pro159Leu; replaces proline 159 with leucine.
Molecular consequence: missense variant. On other transcripts: non-coding transcript variant (3), intron variant (2).
Genome position (GRCh38, 1-based): chr20:45,418,962, C>T. VCF-style: chr20-45418962-C-T. GRCh37 (hg19) VCF-style: chr20-44047602-C-T.
Other names: c.476C>T, p.Pro159Leu (NM_001184729.3); c.326-333C>T (NM_001184728.3); c.188-333C>T (NM_001184730.3); short protein forms P159L.
Identifiers: ClinVar variation 2662663 (VCV002662663.1), dbSNP rs1054537454, ClinGen allele CA409166768.

ClinVar aggregate classification (germline): Uncertain significance (1 of 4 stars; one submission).

Allele frequency attached by ClinVar (database versions not stated): gnomAD exomes below 0.00001; TOPMed below 0.00001; gnomAD 0.00001.

Submission:

GeneDx
Classification: Uncertain significance. Last evaluated: 2023-04-18. Review status: criteria provided, single submitter. Criteria: GeneDx Variant Classification Process June 2021. Collection method: clinical testing. Allele origin: germline. Affected: yes.
Comment: Not observed at significant frequency in large population cohorts (gnomAD); In silico analysis supports that this missense variant has a deleterious effect on protein structure/function; Has not been previously published as pathogenic or benign to our knowledge